The following is an entry in ClinVar:

NM_003079.5(SMARCE1):c.369+5G>A

Gene: SMARCE1 (SWI/SNF related BAF chromatin remodeling complex subunit E1; minus strand). Cytogenetic location: 17q21.2.
Variant type: single nucleotide variant.
Coding change: c.369+5G>A on transcript NM_003079.5 (MANE Select); 5 bases into the intron after coding-DNA position 369, G replaced by A.
Molecular consequence: intron variant.
Genome position (GRCh38, 1-based): chr17:40,636,390, C>T on the plus strand (G>A on the coding strand, the complement: SMARCE1 is on the minus strand). VCF-style: chr17-40636390-C-T. GRCh37 (hg19) VCF-style: chr17-38792642-C-T.
Identifiers: ClinVar variation 954726 (VCV000954726.10), dbSNP rs2037146547, ClinGen allele CA1139665515.

ClinVar aggregate classification (germline): Uncertain significance. Review status: criteria provided, multiple submitters, no conflicts (2 of 4 stars). 2 submissions from 2 submitters: Uncertain significance (2). Last evaluated 2025-10-09.

Conditions:
Familial meningioma. Also called: Meningioma, familial, susceptibility to. Identifiers: Orphanet 263662, MedGen C3551915, MONDO:0011789, OMIM 607174.
Hereditary cancer-predisposing syndrome. Also called: Hereditary neoplastic syndrome; Tumor predisposition; Neoplastic Syndromes, Hereditary; Hereditary Cancer Syndrome. Identifiers: Orphanet 140162, MedGen C0027672, MeSH D009386, MONDO:0015356.

Submissions (2):

Labcorp Genetics (formerly Invitae), Labcorp
Classification: Uncertain significance for Familial meningioma. Last evaluated: 2025-10-09. Review status: criteria provided, single submitter. Criteria: Invitae Variant Classification Sherloc (09022015). Collection method: clinical testing. Allele origin: germline.
Comment: This sequence change falls in intron 6 of the SMARCE1 gene. It does not directly change the encoded amino acid sequence of the SMARCE1 protein. It affects a nucleotide within the consensus splice site. This variant is not present in population databases (gnomAD no frequency). This variant has not been reported in the literature in individuals affected with SMARCE1-related conditions. ClinVar contains an entry for this variant (Variation ID: 954726). Variants that disrupt the consensus splice site are a relatively common cause of aberrant splicing (PMID: 17576681, 9536098). Algorithms developed to predict the effect of sequence changes on RNA splicing suggest that this variant is not likely to affect RNA splicing. In summary, the available evidence is currently insufficient to determine the role of this variant in disease. Therefore, it has been classified as a Variant of Uncertain Significance.

Ambry Genetics
Classification: Uncertain significance for Hereditary cancer-predisposing syndrome. Last evaluated: 2025-06-27. Review status: criteria provided, single submitter. Criteria: Ambry Variant Classification Scheme 2023. Collection method: clinical testing. Allele origin: germline.
Comment: The c.369+5G>A intronic variant results from a G to A substitution 5 nucleotides after coding exon 5 in the SMARCE1 gene. This nucleotide position is not well conserved in available vertebrate species. In silico splice site analysis predicts that this alteration will not have any significant effect on splicing. This variant was detected as heterozygous in individual(s) with no reported features of Coffin-Siris syndrome (Ambry internal data). Based on the supporting evidence, the association of this alteration with an increased risk of meningiomas is unknown; however, the association of this alteration with Coffin-Siris syndrome is unlikely.

Literature cited by the submitters: PubMed 17576681 (cited by Labcorp Genetics (formerly Invitae), Labcorp); PubMed 9536098 (cited by Labcorp Genetics (formerly Invitae), Labcorp).